The following is an entry in ClinVar:

ClinVar aggregate classification (germline): Uncertain significance (1 of 4 stars; one submission).

gnomAD v4.1: 1 of 1,613,612 alleles (0.000062%); highest among the groups gnomAD compares: Non-Finnish European, 0.000085%; no homozygotes.

Submission:

GeneDx
Classification: Uncertain significance. Last evaluated: 2024-08-06. Review status: criteria provided, single submitter. Criteria: GeneDx Variant Classification Process June 2021. Collection method: clinical testing. Allele origin: germline. Affected: yes.
Comment: Not observed at significant frequency in large population cohorts (gnomAD); In silico analysis supports that this missense variant has a deleterious effect on protein structure/function; Has not been previously published as pathogenic or benign to our knowledge

NM_001394062.1(MACF1):c.12486C>G (p.Ser4162Arg)

Gene: MACF1 (microtubule actin crosslinking factor 1; plus strand). Cytogenetic location: 1p34.3.
Variant type: single nucleotide variant.
Coding change: c.12486C>G on transcript NM_001394062.1 (MANE Select); coding-DNA position 12486, C replaced by G.
Protein change: p.Ser4162Arg; replaces serine 4162 with arginine.
Molecular consequence: missense variant.
Genome position (GRCh38, 1-based): chr1:39,361,392, C>G. VCF-style: chr1-39361392-C-G. GRCh37 (hg19) VCF-style: chr1-39827064-C-G.
Other names: c.6300C>G, p.Ser2100Arg (NM_012090.5); short protein forms S2100R, S4162R.
Identifiers: ClinVar variation 3730943 (VCV003730943.1).